The following is an entry in ClinVar:

ClinVar aggregate classification (germline): Pathogenic (1 of 4 stars; one submission).

Conditions:
Glycogen storage disease type X (GSD10). Also called: Dimauro disease; GSD X; MYOPATHY DUE TO PHOSPHOGLYCERATE MUTASE DEFICIENCY; PGAMM DEFICIENCY; PHOSPHOGLYCERATE MUTASE, MUSCLE, DEFICIENCY OF; Glycogen storage disease due to phosphoglycerate mutase deficiency. Identifiers: Orphanet 97234, MedGen C0268149, MONDO:0009865, OMIM 261670.

Allele frequency attached by ClinVar (database versions not stated): TOPMed below 0.00001; gnomAD 0.00001.
gnomAD v4.1: 7 of 1,601,864 alleles (0.00044%); highest among the groups gnomAD compares: African/African-American, 0.0013%; no homozygotes.

Submission:

Labcorp Genetics (formerly Invitae), Labcorp
Classification: Pathogenic for Glycogen storage disease type X. Last evaluated: 2022-04-12. Review status: criteria provided, single submitter. Criteria: Invitae Variant Classification Sherloc (09022015). Collection method: clinical testing. Allele origin: germline.
Comment: For these reasons, this variant has been classified as Pathogenic. Studies have shown that this premature translational stop signal is associated with altered splicing resulting in deletion of 19 amino acids (PMID: 19273759). This premature translational stop signal has been observed in individual(s) with phosphoglycerate mutase deficiency (PMID: 19273759). This variant is not present in population databases (gnomAD no frequency). This sequence change creates a premature translational stop signal (p.Arg180*) in the PGAM2 gene. It is expected to result in an absent or disrupted protein product. Loss-of-function variants in PGAM2 are known to be pathogenic (PMID: 8447317, 19273759).

Literature cited by the submitters: PubMed 19273759; PubMed 8447317.

NM_000290.4(PGAM2):c.538C>T (p.Arg180Ter)

Genes: DBNL (drebrin like; plus strand), PGAM2 (phosphoglycerate mutase 2; minus strand). Cytogenetic location: 7p13.
Variant type: single nucleotide variant.
Coding change: c.538C>T on transcript NM_000290.4 (MANE Select); coding-DNA position 538, C replaced by T.
Protein change: p.Arg180Ter; replaces arginine 180 with a stop codon.
Molecular consequence: nonsense. On other transcripts: 3 prime UTR variant (6).
Genome position (GRCh38, 1-based): chr7:44,064,889, G>A on the plus strand (C>T on the coding strand, the complement: PGAM2 is on the minus strand). VCF-style: chr7-44064889-G-A. GRCh37 (hg19) VCF-style: chr7-44104488-G-A.
Other names: c.*3973G>A (NM_001014436.3, NM_001122956.2, NM_001284313.2 and 3 more transcripts); short protein forms R180*.
Identifiers: ClinVar variation 2136502 (VCV002136502.4), dbSNP rs540266988, ClinGen allele CA157875548.